The following is an entry in ClinVar:

NM_000051.4(ATM):c.709A>T (p.Thr237Ser)

Gene: ATM (ATM serine/threonine kinase; plus strand). Cytogenetic location: 11q22.3.
Variant type: single nucleotide variant.
Coding change: c.709A>T on transcript NM_000051.4 (MANE Select); coding-DNA position 709, A replaced by T.
Protein change: p.Thr237Ser; replaces threonine 237 with serine.
Molecular consequence: missense variant.
Genome position (GRCh38, 1-based): chr11:108,244,834, A>T. VCF-style: chr11-108244834-A-T. GRCh37 (hg19) VCF-style: chr11-108115561-A-T.
Other names: c.709A>T, p.Thr237Ser (NM_001351834.2); c.709A>T (NM_000051.3); short protein forms T237S.
Identifiers: ClinVar variation 1512446 (VCV001512446.7), dbSNP rs376529329, ClinGen allele CA382529155.
Genomic context (GRCh38, chr11:108,244,834, plus strand): 5'-TTGTTTCTTCACAGACAAGAAAAGAGCTCTTCAGGTCTAAATCATATCTTAGCAGCTCTT[A>T]CTATCTTCCTCAAGACTTTGGCTGTCAACTTTCGAATTCGAGTGTGTGAATTAGGAGATG-3'
Protein context (NP_000042.3, residues 227-247): SGLNHILAAL[Thr237Ser]IFLKTLAVNF

ClinVar aggregate classification (germline): Conflicting classifications of pathogenicity. Review status: criteria provided, conflicting classifications (1 of 4 stars). 2 submissions from 2 submitters: Uncertain significance (1); Likely benign (1). Last evaluated 2024-12-27.

Conditions:
Hereditary cancer-predisposing syndrome. Also called: Neoplastic Syndromes, Hereditary; Hereditary Cancer Syndrome; Tumor predisposition; Hereditary neoplastic syndrome. Identifiers: Orphanet 140162, MedGen C0027672, MeSH D009386, MONDO:0015356.
Ataxia-telangiectasia syndrome (AT). Also called: Cerebello-oculocutaneous telangiectasia; Immunodeficiency with ataxia telangiectasia; ATAXIA-TELANGIECTASIA, COMPLEMENTATION GROUP A; ATAXIA-TELANGIECTASIA, FRESNO VARIANT; Ataxia-telangiectasia, complementation group E; LOUIS-BAR SYNDROME. Identifiers: Orphanet 100, MedGen C0004135, MONDO:0008840, OMIM 208900.

Submissions (2):

Ambry Genetics
Classification: Likely benign for Hereditary cancer-predisposing syndrome. Last evaluated: 2024-12-27. Review status: criteria provided, single submitter. Criteria: Ambry Variant Classification Scheme 2023. Collection method: clinical testing. Allele origin: germline.

Labcorp Genetics (formerly Invitae), Labcorp
Classification: Uncertain significance for Ataxia-telangiectasia syndrome. Last evaluated: 2021-10-20. Review status: criteria provided, single submitter. Criteria: Invitae Variant Classification Sherloc (09022015). Collection method: clinical testing. Allele origin: germline.
Comment: In summary, the available evidence is currently insufficient to determine the role of this variant in disease. Therefore, it has been classified as a Variant of Uncertain Significance. Advanced modeling of protein sequence and biophysical properties (such as structural, functional, and spatial information, amino acid conservation, physicochemical variation, residue mobility, and thermodynamic stability) performed at Invitae indicates that this missense variant is not expected to disrupt ATM protein function. This variant has not been reported in the literature in individuals affected with ATM-related conditions. This variant is not present in population databases (ExAC no frequency). This sequence change replaces threonine with serine at codon 237 of the ATM protein (p.Thr237Ser). The threonine residue is weakly conserved and there is a small physicochemical difference between threonine and serine.